The following is an entry in ClinVar:

NM_198525.3(KIF7):c.252G>C (p.Glu84Asp)

Gene: KIF7 (kinesin family member 7; minus strand). Cytogenetic location: 15q26.1.
Variant type: single nucleotide variant.
Coding change: c.252G>C on transcript NM_198525.3 (MANE Select); coding-DNA position 252, G replaced by C.
Protein change: p.Glu84Asp; replaces glutamic acid 84 with aspartic acid.
Molecular consequence: missense variant.
Genome position (GRCh38, 1-based): chr15:89,652,679, C>G on the plus strand (G>C on the coding strand, the complement: KIF7 is on the minus strand). VCF-style: chr15-89652679-C-G. GRCh37 (hg19) VCF-style: chr15-90195910-C-G.
Other names: short protein forms E84D.
Identifiers: ClinVar variation 2138282 (VCV002138282.1), dbSNP rs1391195209, ClinGen allele CA393779877.

ClinVar aggregate classification (germline): Uncertain significance (1 of 4 stars; one submission).

Conditions:
Acrocallosal syndrome (ACLS). Also called: HALLUX DUPLICATION, POSTAXIAL POLYDACTYLY, AND ABSENCE OF CORPUS CALLOSUM; Schinzel syndrome 1; Absence of corpus callosum with unusual facial appearance, mental deficiency, duplication of the halluces and polydactyly. Identifiers: Orphanet 36, MedGen C0796147, MONDO:0008708, OMIM 200990.

Allele frequency attached by ClinVar (database versions not stated): gnomAD 0.00001; gnomAD exomes 0.00001; TOPMed 0.00001.
gnomAD v4.1: 20 of 1,551,268 alleles (0.0013%); highest among the groups gnomAD compares: Non-Finnish European, 0.0017%; no homozygotes.

Submission:

Labcorp Genetics (formerly Invitae), Labcorp
Classification: Uncertain significance for Acrocallosal syndrome. Last evaluated: 2022-03-26. Review status: criteria provided, single submitter. Criteria: Invitae Variant Classification Sherloc (09022015). Collection method: clinical testing. Allele origin: germline.
Comment: This sequence change replaces glutamic acid, which is acidic and polar, with aspartic acid, which is acidic and polar, at codon 84 of the KIF7 protein (p.Glu84Asp). This variant is not present in population databases (gnomAD no frequency). This variant has not been reported in the literature in individuals affected with KIF7-related conditions. Algorithms developed to predict the effect of missense changes on protein structure and function are either unavailable or do not agree on the potential impact of this missense change (SIFT: "Tolerated"; PolyPhen-2: "Probably Damaging"; Align-GVGD: "Class C0"). In summary, the available evidence is currently insufficient to determine the role of this variant in disease. Therefore, it has been classified as a Variant of Uncertain Significance.